The following is an entry in ClinVar:

ClinVar aggregate classification (germline): Uncertain significance (1 of 4 stars; one submission).

Conditions:
Cardiomyopathy (CMYO). Also called: Cardiomyopathies. Identifiers: Orphanet 167848, MedGen C0878544, MONDO:0004994, HP:0001638. Inheritance: Various modes of inheritance.

gnomAD v4.1: 2 of 1,613,988 alleles (0.00012%); highest among the groups gnomAD compares: Non-Finnish European, 0.00017%; no homozygotes.

Submission:

Color Diagnostics, LLC DBA Color Health
Classification: Uncertain significance for Cardiomyopathy. Last evaluated: 2025-01-06. Review status: criteria provided, single submitter. Criteria: ACMG Guidelines, 2015. Collection method: clinical testing. Allele origin: germline.
Comment: This missense variant replaces threonine with isoleucine at codon 2522 of the RYR2 protein. Computational prediction is inconclusive regarding the impact of this variant on protein structure and function (internally defined REVEL score threshold 0.5 < inconclusive < 0.7, PMID: 27666373). To our knowledge, functional studies have not been reported for this variant. This variant has not been reported in individuals affected with RYR2-related disorders in the literature. This variant has not been identified in the general population by the Genome Aggregation Database (gnomAD). The available evidence is insufficient to determine the role of this variant in disease conclusively. Therefore, this variant is classified as a Variant of Uncertain Significance.

NM_001035.3(RYR2):c.7565C>T (p.Thr2522Ile)

Gene: RYR2 (ryanodine receptor 2; plus strand). Cytogenetic location: 1q43.
Variant type: single nucleotide variant.
Coding change: c.7565C>T on transcript NM_001035.3 (MANE Select); coding-DNA position 7565, C replaced by T.
Protein change: p.Thr2522Ile; replaces threonine 2522 with isoleucine.
Molecular consequence: missense variant.
Genome position (GRCh38, 1-based): chr1:237,649,929, C>T. VCF-style: chr1-237649929-C-T. GRCh37 (hg19) VCF-style: chr1-237813229-C-T.
Other names: short protein forms T2522I.
Identifiers: ClinVar variation 3894171 (VCV003894171.1).